The following is an entry in ClinVar:

NM_000535.7(PMS2):c.1500dup (p.Val501fs)

Gene: PMS2 (PMS1 homolog 2, mismatch repair system component; minus strand). Cytogenetic location: 7p22.1.
Variant type: Duplication.
Coding change: c.1500dup on transcript NM_000535.7 (MANE Select); coding-DNA position 1500, one base duplicated (C; older notation c.1500dupC).
Protein change: p.Val501fs; shifts the reading frame from valine 501.
Molecular consequence: frameshift variant. On other transcripts: non-coding transcript variant (1).
Genome position (GRCh38, 1-based): chr7:5,987,265, G duplicated on the plus strand (C on the coding strand, the reverse complement: PMS2 is on the minus strand); the first of 2 consecutive G bases (chr7:5,987,265-5,987,266); duplicating either gives the same sequence. VCF-style (leftmost placement, unchanged base first): chr7-5987264-C-CG. GRCh37 (hg19) VCF-style: chr7-6026895-C-CG.
Other names: c.1095dup, p.Val366fs (NM_001322003.2, NM_001322004.2, NM_001322005.2 and 1 more transcripts); c.1344dup, p.Val449fs (NM_001322006.2); c.1182dup, p.Val395fs (NM_001322007.2, NM_001322008.2); c.939dup, p.Val314fs (NM_001322010.2); c.567dup, p.Val190fs (NM_001322011.2, NM_001322012.2); c.927dup, p.Val310fs (NM_001322013.2); c.1500dup, p.Val501fs (NM_001322014.2); c.1191dup, p.Val398fs (NM_001322015.2); short protein forms V314fs, V501fs, V366fs, V398fs, V190fs, V395fs, V310fs, V449fs.
Identifiers: ClinVar variation 237887 (VCV000237887.14), dbSNP rs759151952, ClinGen allele CA10582509.

ClinVar aggregate classification (germline): Pathogenic. Review status: criteria provided, multiple submitters, no conflicts (2 of 4 stars). 3 submissions from 3 submitters: Pathogenic (3). Last evaluated 2025-12-03.

Conditions:
Hereditary nonpolyposis colorectal neoplasms. Identifiers: MedGen C0009405, MeSH D003123.
Hereditary cancer-predisposing syndrome. Also called: Neoplastic Syndromes, Hereditary; Hereditary neoplastic syndrome; Tumor predisposition; Hereditary Cancer Syndrome. Identifiers: Orphanet 140162, MedGen C0027672, MeSH D009386, MONDO:0015356.
Lynch syndrome 4 (LYNCH4). Also called: Hereditary non-polyposis colorectal cancer, type 4; Colorectal cancer, hereditary nonpolyposis, type 4. Identifiers: Orphanet 144, MedGen C1838333, MONDO:0013699, OMIM 614337. Disease mechanism: loss of function.

Submissions (3):

Ambry Genetics
Classification: Pathogenic for Hereditary cancer-predisposing syndrome. Last evaluated: 2025-12-03. Review status: criteria provided, single submitter. Criteria: Ambry Variant Classification Scheme 2023. Collection method: clinical testing. Allele origin: germline.
Comment: The c.1500dupC pathogenic mutation, located in coding exon 11 of the PMS2 gene, results from a duplication of C at nucleotide position 1500, causing a translational frameshift with a predicted alternate stop codon (p.V501Rfs*4). This alteration is expected to result in loss of function by premature protein truncation or nonsense-mediated mRNA decay. As such, this alteration is interpreted as a disease-causing mutation.

Myriad Genetics, Inc.
Classification: Pathogenic for Lynch syndrome 4. Last evaluated: 2023-09-20. Review status: criteria provided, single submitter. Criteria: Myriad Autosomal Dominant, Autosomal Recessive and X-Linked Classification Criteria (2023). Collection method: clinical testing. Allele origin: unknown.
Comment: This variant is considered pathogenic. This variant creates a frameshift predicted to result in premature protein truncation.

Labcorp Genetics (formerly Invitae), Labcorp
Classification: Pathogenic for Hereditary nonpolyposis colorectal neoplasms. Last evaluated: 2018-07-10. Review status: criteria provided, single submitter. Criteria: Invitae Variant Classification Sherloc (09022015). Collection method: clinical testing. Allele origin: germline.
Comment: For these reasons, this variant has been classified as Pathogenic. While this particular variant has not been reported in the literature, loss-of-function variants in PMS2 are known to be pathogenic (PMID: 21376568, 24362816). This sequence change inserts 1 nucleotide in exon 11 of the PMS2 mRNA (c.1500dupC), causing a frameshift at codon 501. This creates a premature translational stop signal (p.Val501Argfs*4) and is expected to result in an absent or disrupted protein product.

Literature cited by the submitters: PubMed 21376568 (cited by Labcorp Genetics (formerly Invitae), Labcorp); PubMed 24362816 (cited by Labcorp Genetics (formerly Invitae), Labcorp).